The following is an entry in ClinVar:

ClinVar aggregate classification (germline): Uncertain significance (1 of 4 stars; one submission).

Conditions:
Granulomatous disease, chronic, X-linked. Also called: CYTOCHROME b-NEGATIVE GRANULOMATOUS DISEASE, CHRONIC, X-LINKED; GRANULOMATOUS DISEASE, CHRONIC, X-LINKED, SOMATIC MOSAIC. Identifiers: Orphanet 379, MedGen C1844376, MONDO:0010600, OMIM 306400.

Submission:

Labcorp Genetics (formerly Invitae), Labcorp
Classification: Uncertain significance for Granulomatous disease, chronic, X-linked. Last evaluated: 2019-11-26. Review status: criteria provided, single submitter. Criteria: Invitae Variant Classification Sherloc (09022015). Collection method: clinical testing. Allele origin: germline.
Comment: In summary, the available evidence is currently insufficient to determine the role of this variant in disease. Therefore, it has been classified as a Variant of Uncertain Significance. Algorithms developed to predict the effect of missense changes on protein structure and function are either unavailable or do not agree on the potential impact of this missense change (SIFT: "Deleterious"; PolyPhen-2: "Benign"; Align-GVGD: "Class C0"). This variant has been observed in individual(s) with chronic granulomatous disease (Invitae). This variant is not present in population databases (ExAC no frequency). This sequence change replaces histidine with proline at codon 490 of the CYBB protein (p.His490Pro). The histidine residue is highly conserved and there is a moderate physicochemical difference between histidine and proline.

NM_000397.4(CYBB):c.1469A>C (p.His490Pro)

Gene: CYBB (cytochrome b-245 beta chain; plus strand). Cytogenetic location: Xp11.4.
Variant type: single nucleotide variant.
Coding change: c.1469A>C on transcript NM_000397.4 (MANE Select); coding-DNA position 1469, A replaced by C.
Protein change: p.His490Pro; replaces histidine 490 with proline.
Molecular consequence: missense variant.
Genome position (GRCh38, 1-based): chrX:37,809,574, A>C. VCF-style: chrX-37809574-A-C. GRCh37 (hg19) VCF-style: chrX-37668827-A-C.
Other names: short protein forms H490P.
Identifiers: ClinVar variation 859876 (VCV000859876.10), dbSNP rs1929629245, ClinGen allele CA412978348.